The following is an entry in ClinVar:

ClinVar aggregate classification (germline): Likely benign (1 of 4 stars; one submission).

Allele frequency attached by ClinVar (database versions not stated): 1000 Genomes Project 0.00020; ExAC 0.00027; 1000 Genomes Project 30x 0.00031; gnomAD 0.00069; TOPMed 0.00070; ESP Exome Variant Server 0.00092.
gnomAD v4.1: 251 of 1,614,216 alleles (0.016%); highest among the groups gnomAD compares: African/African-American, 0.11%; no homozygotes.

Submission:

CeGaT Center for Human Genetics Tuebingen
Classification: Likely benign. Last evaluated: 2023-05-01. Review status: criteria provided, single submitter. Criteria: CeGaT Center For Human Genetics Tuebingen Variant Classification Criteria Version 2. Collection method: clinical testing. Allele origin: germline. Affected: yes. Observed: 1 variant allele.
Comment: COPB1: BP4, BP7

NM_001144061.2(COPB1):c.1821T>C (p.Asp607=)

Gene: COPB1 (coat protein complex I subunit beta 1; minus strand). Cytogenetic location: 11p15.2.
Variant type: single nucleotide variant.
Coding change: c.1821T>C on transcript NM_001144061.2 (MANE Select); coding-DNA position 1821, T replaced by C.
Protein change: p.Asp607=; no amino-acid change (aspartic acid 607 retained).
Molecular consequence: synonymous variant.
Genome position (GRCh38, 1-based): chr11:14,469,480, A>G on the plus strand (T>C on the coding strand, the complement: COPB1 is on the minus strand). VCF-style: chr11-14469480-A-G. GRCh37 (hg19) VCF-style: chr11-14491026-A-G.
Other names: c.1821T>C, p.Asp607= (NM_001144062.2, NM_016451.5).
Identifiers: ClinVar variation 2641620 (VCV002641620.24), dbSNP rs147940792, ClinGen allele CA5894755.